The following is an entry in ClinVar:

ClinVar aggregate classification (germline): Uncertain significance (1 of 4 stars; one submission).

Submission:

Labcorp Genetics (formerly Invitae), Labcorp
Classification: Uncertain significance. Last evaluated: 2025-04-24. Review status: criteria provided, single submitter. Criteria: Invitae Variant Classification Sherloc (09022015). Collection method: clinical testing. Allele origin: germline.
Comment: This variant, c.2012_2014del, results in the deletion of 1 amino acid(s) of the EMC1 protein (p.Phe671del), but otherwise preserves the integrity of the reading frame. This variant is present in population databases (rs759388197, gnomAD 0.003%). This variant has not been reported in the literature in individuals affected with EMC1-related conditions. Experimental studies and prediction algorithms are not available or were not evaluated, and the functional significance of this variant is currently unknown. In summary, the available evidence is currently insufficient to determine the role of this variant in disease. Therefore, it has been classified as a Variant of Uncertain Significance.

NM_015047.3(EMC1):c.2006TCT[2] (p.Phe671del)

Genes: EMC1 (ER membrane protein complex subunit 1; minus strand), EMC1-AS1 (EMC1 antisense RNA 1; plus strand). Cytogenetic location: 1p36.13.
Variant type: Microsatellite.
Coding change: c.2006TCT[2] on transcript NM_015047.3 (MANE Select); two copies in a row of the 3-base unit TCT starting at c.2006; the reference has three copies in a row; one copy, 3 bases deleted.
Protein change: p.Phe671del; deletes phenylalanine 671.
Molecular consequence: inframe deletion.
Genome position (GRCh38, 1-based): chr1:19,230,894-19,230,896, AGA deleted on the plus strand (TCT on the coding strand, the reverse complement: EMC1 is on the minus strand); deleting any 3 consecutive bases within chr1:19,230,894-19,230,902 gives the same sequence; the position shown is the placement nearest the transcript's 3' end. VCF-style (leftmost placement, unchanged base first): chr1-19230893-TAGA-T. GRCh37 (hg19) VCF-style: chr1-19557387-TAGA-T.
Other names: c.2003TCT[2], p.Phe670del (NM_001271427.2, NM_001271428.2); c.1940TCT[2], p.Phe649del (NM_001271429.2); c.2015TCT[2], p.Phe674del (NM_001375820.1); c.2012TCT[2], p.Phe673del (NM_001375821.1); short protein forms F671del, F673del, F670del, F674del, F649del.
Identifiers: ClinVar variation 1461755 (VCV001461755.8), dbSNP rs759388197, ClinGen allele CA652430.